The following is an entry in ClinVar:

NM_000388.4(CASR):c.2657G>A (p.Arg886Gln)

Gene: CASR (calcium sensing receptor; plus strand). Cytogenetic location: 3q21.1.
Variant type: single nucleotide variant.
Coding change: c.2657G>A on transcript NM_000388.4 (MANE Select); coding-DNA position 2657, G replaced by A.
Protein change: p.Arg886Gln; replaces arginine 886 with glutamine.
Molecular consequence: missense variant.
Genome position (GRCh38, 1-based): chr3:122,284,611, G>A. VCF-style: chr3-122284611-G-A. GRCh37 (hg19) VCF-style: chr3-122003458-G-A.
Other names: c.2687G>A, p.Arg896Gln (NM_001178065.2); short protein forms R896Q, R886Q.
Identifiers: ClinVar variation 842932 (VCV000842932.14), dbSNP rs1057520791, ClinGen allele CA354160502.

ClinVar aggregate classification (germline): Uncertain significance. Review status: criteria provided, multiple submitters, no conflicts (2 of 4 stars). 3 submissions from 3 submitters: Uncertain significance (3). Last evaluated 2024-06-25.

Conditions:
Nephrolithiasis/nephrocalcinosis. Identifiers: MedGen CN580796.
Autosomal dominant hypocalcemia 1 (HYPOC1). Also called: HYPOCALCEMIA, FAMILIAL. Identifiers: MedGen C3715128, MONDO:0011013, OMIM 601198.
Familial hypocalciuric hypercalcemia (FHH). Also called: Familial benign hypercalcemia. Identifiers: Orphanet 405, MedGen C1809471, MONDO:0018458.

Allele frequency attached by ClinVar (database versions not stated): gnomAD 0.00001; TOPMed 0.00001; 1000 Genomes Project 30x 0.00016.
gnomAD v4.1: 16 of 1,614,100 alleles (0.00099%); highest among the groups gnomAD compares: Non-Finnish European, 0.0013%; no homozygotes.

Submissions (3):

Ambry Genetics
Classification: Uncertain significance for Nephrolithiasis/nephrocalcinosis. Last evaluated: 2024-06-25. Review status: criteria provided, single submitter. Criteria: Ambry Variant Classification Scheme 2023. Collection method: clinical testing. Allele origin: germline.
Comment: The p.R886Q variant (also known as c.2657G>A), located in coding exon 6 of the CASR gene, results from a G to A substitution at nucleotide position 2657. The arginine at codon 886 is replaced by glutamine, an amino acid with highly similar properties. This amino acid position is well conserved in available vertebrate species. In addition, the in silico prediction for this alteration is inconclusive. Based on the available evidence, the clinical significance of this variant remains unclear.

Labcorp Genetics (formerly Invitae), Labcorp
Classification: Uncertain significance for Familial hypocalciuric hypercalcemia; Autosomal dominant hypocalcemia 1. Last evaluated: 2022-05-31. Review status: criteria provided, single submitter. Criteria: Invitae Variant Classification Sherloc (09022015). Collection method: clinical testing. Allele origin: germline.
Comment: Algorithms developed to predict the effect of sequence changes on RNA splicing suggest that this variant may create or strengthen a splice site. This sequence change replaces arginine, which is basic and polar, with glutamine, which is neutral and polar, at codon 886 of the CASR protein (p.Arg886Gln). This variant is not present in population databases (gnomAD no frequency). This variant has not been reported in the literature in individuals affected with CASR-related conditions. ClinVar contains an entry for this variant (Variation ID: 842932). Algorithms developed to predict the effect of missense changes on protein structure and function are either unavailable or do not agree on the potential impact of this missense change (SIFT: "Deleterious"; PolyPhen-2: "Possibly Damaging"; Align-GVGD: "Class C0"). This variant disrupts the p.Arg886 amino acid residue in CASR. Other variant(s) that disrupt this residue have been determined to be pathogenic (PMID: 11807402, 17698911, 20798521). This suggests that this residue is clinically significant, and that variants that disrupt this residue are likely to be disease-causing. In summary, the available evidence is currently insufficient to determine the role of this variant in disease. Therefore, it has been classified as a Variant of Uncertain Significance.

Women's Health and Genetics/Laboratory Corporation of America, LabCorp
Classification: Uncertain significance. Last evaluated: 2021-10-15. Review status: criteria provided, single submitter. Criteria: LabCorp Variant Classification Summary - May 2015. Collection method: clinical testing. Allele origin: germline.
Comment: Variant summary: CASR c.2657G>A (p.Arg886Gln) results in a conservative amino acid change in the encoded protein sequence. Three of five in-silico tools predict a damaging effect of the variant on protein function. The variant was absent in 250730 control chromosomes. The available data on variant occurrences in the general population are insufficient to allow any conclusion about variant significance. To our knowledge, no occurrence of c.2657G>A in individuals affected with Familial Hypocalciuric Hypercalcemia and no experimental evidence demonstrating its impact on protein function have been reported. One clinical diagnostic laboratory has submitted clinical-significance assessments for this variant to ClinVar after 2014 without evidence for independent evaluation and classified the variant as uncertain significance. Based on the evidence outlined above, the variant was classified as uncertain significance.

Literature cited by the submitters: PubMed 11807402 (cited by Labcorp Genetics (formerly Invitae), Labcorp); PubMed 17698911 (cited by Labcorp Genetics (formerly Invitae), Labcorp); PubMed 20798521 (cited by Labcorp Genetics (formerly Invitae), Labcorp).